The following is an entry in ClinVar:

NM_002528.7(NTHL1):c.275G>C (p.Arg92Pro)

Gene: NTHL1 (nth like DNA glycosylase 1; minus strand). Cytogenetic location: 16p13.3.
Variant type: single nucleotide variant.
Coding change: c.275G>C on transcript NM_002528.7 (MANE Select); coding-DNA position 275, G replaced by C.
Protein change: p.Arg92Pro; replaces arginine 92 with proline.
Molecular consequence: missense variant. On other transcripts: intron variant (1).
Genome position (GRCh38, 1-based): chr16:2,046,207, C>G on the plus strand (G>C on the coding strand, the complement: NTHL1 is on the minus strand). VCF-style: chr16-2046207-C-G. GRCh37 (hg19) VCF-style: chr16-2096208-C-G.
Other names: c.275G>C, p.Arg92Pro (NM_001318193.2); c.24+73G>C (NM_001318194.2); short protein forms R92P.
Identifiers: ClinVar variation 844935 (VCV000844935.11), dbSNP rs145644817, ClinGen allele CA394296795.

ClinVar aggregate classification (germline): Uncertain significance. Review status: criteria provided, multiple submitters, no conflicts (2 of 4 stars). 3 submissions from 3 submitters: Uncertain significance (3). Last evaluated 2025-01-21.

Conditions:
Hereditary cancer-predisposing syndrome. Also called: Tumor predisposition; Hereditary neoplastic syndrome; Neoplastic Syndromes, Hereditary; Hereditary Cancer Syndrome. Identifiers: Orphanet 140162, MedGen C0027672, MeSH D009386, MONDO:0015356.

Submissions (3):

GeneDx
Classification: Uncertain significance. Last evaluated: 2025-01-21. Review status: criteria provided, single submitter. Criteria: GeneDx Variant Classification Process June 2021. Collection method: clinical testing. Allele origin: germline. Affected: yes.
Comment: Not observed at significant frequency in large population cohorts (gnomAD); In silico analysis supports that this missense variant has a deleterious effect on protein structure/function; Has not been previously published as pathogenic or benign to our knowledge

Labcorp Genetics (formerly Invitae), Labcorp
Classification: Uncertain significance. Last evaluated: 2022-11-08. Review status: criteria provided, single submitter. Criteria: Invitae Variant Classification Sherloc (09022015). Collection method: clinical testing. Allele origin: germline.
Comment: In summary, the available evidence is currently insufficient to determine the role of this variant in disease. Therefore, it has been classified as a Variant of Uncertain Significance. Algorithms developed to predict the effect of missense changes on protein structure and function are either unavailable or do not agree on the potential impact of this missense change (SIFT: "Not Available"; PolyPhen-2: "Possibly Damaging"; Align-GVGD: "Not Available"). ClinVar contains an entry for this variant (Variation ID: 844935). This variant has not been reported in the literature in individuals affected with NTHL1-related conditions. This variant is not present in population databases (gnomAD no frequency). This sequence change replaces arginine, which is basic and polar, with proline, which is neutral and non-polar, at codon 100 of the NTHL1 protein (p.Arg100Pro).

Ambry Genetics
Classification: Uncertain significance for Hereditary cancer-predisposing syndrome. Last evaluated: 2021-07-09. Review status: criteria provided, single submitter. Criteria: Ambry Variant Classification Scheme 2023. Collection method: clinical testing. Allele origin: germline.
Comment: The p.R100P variant (also known as c.299G>C), located in coding exon 2 of the NTHL1 gene, results from a G to C substitution at nucleotide position 299. The arginine at codon 100 is replaced by proline, an amino acid with dissimilar properties. This amino acid position is highly conserved in available vertebrate species. In addition, this alteration is predicted to be deleterious by in silico analysis. Since supporting evidence is limited at this time, the clinical significance of this alteration remains unclear.